The following is an entry in ClinVar:

NM_020975.6(RET):c.2348A>G (p.Asn783Ser)

Gene: RET (ret proto-oncogene; plus strand). Cytogenetic location: 10q11.21.
Variant type: single nucleotide variant.
Coding change: c.2348A>G on transcript NM_020975.6 (MANE Select); coding-DNA position 2348, A replaced by G.
Protein change: p.Asn783Ser; replaces asparagine 783 with serine.
Molecular consequence: missense variant.
Genome position (GRCh38, 1-based): chr10:43,118,436, A>G. VCF-style: chr10-43118436-A-G. GRCh37 (hg19) VCF-style: chr10-43613884-A-G.
Other names: c.2348A>G, p.Asn783Ser (NM_000323.2, NM_001406743.1, NM_001406744.1 and 4 more transcripts); c.1586A>G, p.Asn529Ser (NM_001355216.2); c.2219A>G, p.Asn740Ser (NM_001406761.1, NM_001406762.1, NM_001406764.1); c.2213A>G, p.Asn738Ser (NM_001406763.1, NM_001406765.1); c.2060A>G, p.Asn687Ser (NM_001406766.1, NM_001406767.1, NM_001406770.1); c.2084A>G, p.Asn695Ser (NM_001406768.1); c.1952A>G, p.Asn651Ser (NM_001406769.1, NM_001406772.1); c.1910A>G, p.Asn637Ser (NM_001406771.1, NM_001406773.1); and 10 more; short protein forms N783S, N529S, N439S, N608S, N348S, N441S, N444S, N484S.
Identifiers: ClinVar variation 549812 (VCV000549812.16), dbSNP rs587778656, ClinGen allele CA038646.

ClinVar aggregate classification (germline): Uncertain significance. Review status: criteria provided, multiple submitters, no conflicts (2 of 4 stars). 4 submissions from 4 submitters: Uncertain significance (4). Last evaluated 2025-02-04.

Conditions:
Hereditary cancer-predisposing syndrome. Also called: Hereditary Cancer Syndrome; Hereditary neoplastic syndrome; Tumor predisposition; Neoplastic Syndromes, Hereditary. Identifiers: Orphanet 140162, MedGen C0027672, MeSH D009386, MONDO:0015356.
Multiple endocrine neoplasia, type 2 (MEN2). Identifiers: Orphanet 653, MedGen C4048306, MONDO:0019003. Disease mechanism: gain of function.

gnomAD v4.1: 14 of 1,614,118 alleles (0.00087%); highest among the groups gnomAD compares: Non-Finnish European, 0.0012%; no homozygotes.

Submissions (4):

Labcorp Genetics (formerly Invitae), Labcorp
Classification: Uncertain significance for Multiple endocrine neoplasia, type 2. Last evaluated: 2025-02-04. Review status: criteria provided, single submitter. Criteria: Invitae Variant Classification Sherloc (09022015). Collection method: clinical testing. Allele origin: germline.
Comment: This sequence change replaces asparagine, which is neutral and polar, with serine, which is neutral and polar, at codon 783 of the RET protein (p.Asn783Ser). This variant is present in population databases (rs587778656, gnomAD 0.0009%). This missense change has been observed in individual(s) with Hirschsprung disease, medullary thyroid cancer, or isolated primary hyperparathyroidism (PMID: 22174939, 28946813, 33340421, 38374194). ClinVar contains an entry for this variant (Variation ID: 549812). An algorithm developed to predict the effect of missense changes on protein structure and function outputs the following: PolyPhen-2: "Benign". The serine amino acid residue is found in multiple mammalian species, which suggests that this missense change does not adversely affect protein function. Algorithms developed to predict the effect of sequence changes on RNA splicing suggest that this variant may create or strengthen a splice site. In summary, the available evidence is currently insufficient to determine the role of this variant in disease. Therefore, it has been classified as a Variant of Uncertain Significance.

Ambry Genetics
Classification: Uncertain significance for Hereditary cancer-predisposing syndrome. Last evaluated: 2024-02-13. Review status: criteria provided, single submitter. Criteria: Ambry Variant Classification Scheme 2023. Collection method: clinical testing. Allele origin: germline.
Comment: The p.N783S variant (also known as c.2348A>G), located in coding exon 13 of the RET gene, results from an A to G substitution at nucleotide position 2348. The asparagine at codon 783 is replaced by serine, an amino acid with highly similar properties. This amino acid position is well conserved in available vertebrate species. In addition, this alteration is predicted to be tolerated by in silico analysis. Based on the available evidence, the clinical significance of this alteration remains unclear.

All of Us Research Program, National Institutes of Health
Classification: Uncertain significance for Multiple endocrine neoplasia, type 2. Last evaluated: 2023-06-08. Review status: criteria provided, single submitter. Criteria: ACMG Guidelines, 2015. Collection method: clinical testing. Allele origin: germline. Inheritance: Autosomal dominant inheritance. Observed: 1 variant allele, 1 heterozygote.
Comment: This missense variant replaces asparagine with serine at codon 783 of the RET protein. Computational prediction is inconclusive regarding the impact of this variant on protein structure and function (internally defined REVEL score threshold 0.5 < inconclusive < 0.7, PMID: 27666373). To our knowledge, functional studies have not been reported for this variant. This variant has been reported in an individual affected with medullary thyroid cancer (PMID: 28946813) and an individual affected with isolated primary hyperparathyroidism (PMID: 33340421). This variant has been identified in 1/251344 chromosomes in the general population by the Genome Aggregation Database (gnomAD). The available evidence is insufficient to determine the role of this variant in disease conclusively. Therefore, this variant is classified as a Variant of Uncertain Significance.

This study involves interpretation of variants in research participants for the purpose of population health screening. Participant phenotype was not available at the time of variant classification. Additional details can be found in publication PMID: 35346344, PMCID: PMC8962531

GeneDx
Classification: Uncertain significance. Last evaluated: 2022-04-01. Review status: criteria provided, single submitter. Criteria: GeneDx Variant Classification Process June 2021. Collection method: clinical testing. Allele origin: germline. Affected: yes.
Comment: Not observed at significant frequency in large population cohorts (gnomAD); In silico analysis supports a deleterious effect on splicing; In silico analysis supports that this missense variant does not alter protein structure/function; Identified in a patient with Hirschsprung disease and shown to have been maternally inherited in published literature (So et al., 2011); Identified in a patient with isolated primary hyperparathyroidism and classified as a variant of uncertain significance in published literature (Fussey et al., 2021); This variant is associated with the following publications: (PMID: 14633923, 28946813, 22174939, 33340421)

Literature cited by the submitters: PubMed 22174939 (cited by Labcorp Genetics (formerly Invitae), Labcorp and Ambry Genetics); PubMed 28946813 (cited by 3 submitters); PubMed 33340421 (cited by Labcorp Genetics (formerly Invitae), Labcorp and All of Us Research Program, National Institutes of Health); PubMed 38374194 (cited by Labcorp Genetics (formerly Invitae), Labcorp); PubMed 30217742 (cited by Ambry Genetics).